The following is an entry in ClinVar:

NM_144643.4(SCLT1):c.1294A>T (p.Ile432Phe)

Gene: SCLT1 (sodium channel and clathrin linker 1; minus strand). Cytogenetic location: 4q28.2.
Variant type: single nucleotide variant.
Coding change: c.1294A>T on transcript NM_144643.4 (MANE Select); coding-DNA position 1294, A replaced by T.
Protein change: p.Ile432Phe; replaces isoleucine 432 with phenylalanine.
Molecular consequence: missense variant.
Genome position (GRCh38, 1-based): chr4:128,946,152, T>A on the plus strand (A>T on the coding strand, the complement: SCLT1 is on the minus strand). VCF-style: chr4-128946152-T-A. GRCh37 (hg19) VCF-style: chr4-129867307-T-A.
Other names: c.1294A>T, p.Ile432Phe (NM_001410807.1); short protein forms I432F.
Identifiers: ClinVar variation 4990307 (VCV004990307.1).

ClinVar aggregate classification (germline): Uncertain significance (1 of 4 stars; one submission).

Conditions:
SCLT1-related disorder. Also called: SCLT1-related condition.

gnomAD v4.1: 20 of 1,600,008 alleles (0.0012%); highest among the groups gnomAD compares: Non-Finnish European, 0.0016%; no homozygotes.

Submission:

PreventionGenetics, part of Exact Sciences
Classification: Uncertain significance for SCLT1-related condition. Last evaluated: 2025-08-11. Review status: criteria provided, single submitter. Criteria: ACMG Guidelines, 2015. Collection method: clinical testing. Allele origin: germline.
Comment: The SCLT1 c.1294A>T variant is predicted to result in the amino acid substitution p.Ile432Phe. To our knowledge, this variant has not been reported in the literature. This variant is reported in 0.00089% of alleles in individuals of European (non-Finnish) descent in gnomAD. At this time, the clinical significance of this variant is uncertain due to the absence of conclusive functional and genetic evidence.